The following is an entry in ClinVar:

ClinVar aggregate classification (germline): Uncertain significance (1 of 4 stars; one submission).

Allele frequency attached by ClinVar (database versions not stated): gnomAD exomes below 0.00001 and 0.00001; ExAC 0.00001; gnomAD 0.00001; TOPMed 0.00001.
gnomAD v4.1: 3 of 1,614,062 alleles (0.00019%); highest among the groups gnomAD compares: East Asian, 0.0067%; no homozygotes.

Submission:

Genetic Services Laboratory, University of Chicago
Classification: Uncertain significance. Last evaluated: 2021-04-16. Review status: criteria provided, single submitter. Criteria: ACMG Guidelines, 2015. Collection method: clinical testing. Allele origin: germline. Affected: no.
Comment: This sequence change does not appear to have been previously described in patients with CXCR4-related disorders and has been described in the gnomAD database with a low population frequency of 0.00080% (dbSNP rs751975722). The p.Phe276Ile change affects a moderately conserved amino acid residue located in a domain of the CXCR4 protein that is known to be functional. The p.Phe276Ile substitution appears to be benign using several in-silico pathogenicity prediction tools (SIFT, PolyPhen2, Align GVGD, REVEL). Due to these contrasting evidences and the lack of functional studies, the clinical significance of the p.Phe276Ile change remains unknown at this time.

NM_003467.3(CXCR4):c.826T>A (p.Phe276Ile)

Gene: CXCR4 (C-X-C motif chemokine receptor 4; minus strand). Cytogenetic location: 2q22.1.
Variant type: single nucleotide variant.
Coding change: c.826T>A on transcript NM_003467.3 (MANE Select); coding-DNA position 826, T replaced by A.
Protein change: p.Phe276Ile; replaces phenylalanine 276 with isoleucine.
Molecular consequence: missense variant.
Genome position (GRCh38, 1-based): chr2:136,115,102, A>T on the plus strand (T>A on the coding strand, the complement: CXCR4 is on the minus strand). VCF-style: chr2-136115102-A-T. GRCh37 (hg19) VCF-style: chr2-136872672-A-T.
Other names: c.838T>A, p.Phe280Ile (NM_001008540.2); c.1039T>A, p.Phe347Ile (NM_001348056.2); c.925T>A, p.Phe309Ile (NM_001348059.2); c.781T>A, p.Phe261Ile (NM_001348060.2); short protein forms F261I, F276I, F280I, F309I, F347I.
Identifiers: ClinVar variation 1337903 (VCV001337903.4), dbSNP rs751975722, ClinGen allele CA1890071.